The following is an entry in ClinVar:

NM_020207.7(ERCC6L2):c.2951A>G (p.Asp984Gly)

Gene: ERCC6L2 (ERCC excision repair 6 like 2; plus strand). Cytogenetic location: 9q22.32.
Variant type: single nucleotide variant.
Coding change: c.2951A>G on transcript NM_020207.7 (MANE Select); coding-DNA position 2951, A replaced by G.
Protein change: p.Asp984Gly; replaces aspartic acid 984 with glycine.
Molecular consequence: missense variant. On other transcripts: non-coding transcript variant (1).
Genome position (GRCh38, 1-based): chr9:95,972,702, A>G. VCF-style: chr9-95972702-A-G. GRCh37 (hg19) VCF-style: chr9-98734984-A-G.
Other names: c.2951A>G, p.Asp984Gly (NM_001375291.1, NM_001375292.1, NM_001375293.1 and 1 more transcripts); short protein forms D984G.
Identifiers: ClinVar variation 1519598 (VCV001519598.7), dbSNP rs1832475729, ClinGen allele CA1865840652.

ClinVar aggregate classification (germline): Uncertain significance (1 of 4 stars; one submission).

Allele frequency attached by ClinVar (database versions not stated): gnomAD exomes below 0.00001.
gnomAD v4.1: 2 of 1,301,720 alleles (0.00015%); highest among the groups gnomAD compares: Non-Finnish European, 0.0002%; no homozygotes.

Submission:

Labcorp Genetics (formerly Invitae), Labcorp
Classification: Uncertain significance. Last evaluated: 2024-08-13. Review status: criteria provided, single submitter. Criteria: Invitae Variant Classification Sherloc (09022015). Collection method: clinical testing. Allele origin: germline.
Comment: This sequence change replaces aspartic acid, which is acidic and polar, with glycine, which is neutral and non-polar, at codon 995 of the ERCC6L2 protein (p.Asp995Gly). This variant is not present in population databases (gnomAD no frequency). This variant has not been reported in the literature in individuals affected with ERCC6L2-related conditions. ClinVar contains an entry for this variant (Variation ID: 1519598). Experimental studies and prediction algorithms are not available or were not evaluated, and the functional significance of this variant is currently unknown. In summary, the available evidence is currently insufficient to determine the role of this variant in disease. Therefore, it has been classified as a Variant of Uncertain Significance.